The following is an entry in ClinVar:

ClinVar aggregate classification (germline): Uncertain significance (1 of 4 stars; one submission).

Conditions:
Hereditary cancer-predisposing syndrome. Also called: Hereditary Cancer Syndrome; Hereditary neoplastic syndrome; Neoplastic Syndromes, Hereditary; Tumor predisposition. Identifiers: Orphanet 140162, MedGen C0027672, MeSH D009386, MONDO:0015356.

Submission:

Ambry Genetics
Classification: Uncertain significance for Hereditary cancer-predisposing syndrome. Last evaluated: 2025-06-25. Review status: criteria provided, single submitter. Criteria: Ambry Variant Classification Scheme 2023. Collection method: clinical testing. Allele origin: germline.
Comment: The p.A16T variant (also known as c.46G>A), located in coding exon 1 of the CDK4 gene, results from a G to A substitution at nucleotide position 46. The alanine at codon 16 is replaced by threonine, an amino acid with similar properties. This amino acid position is highly conserved in available vertebrate species. In addition, the in silico prediction for this alteration is inconclusive. Based on the available evidence, the clinical significance of this variant remains unclear.

NM_000075.4(CDK4):c.46G>A (p.Ala16Thr)

Gene: CDK4 (cyclin dependent kinase 4; minus strand). Cytogenetic location: 12q14.1.
Variant type: single nucleotide variant.
Coding change: c.46G>A on transcript NM_000075.4 (MANE Select); coding-DNA position 46, G replaced by A.
Protein change: p.Ala16Thr; replaces alanine 16 with threonine.
Molecular consequence: missense variant.
Genome position (GRCh38, 1-based): chr12:57,751,672, C>T on the plus strand (G>A on the coding strand, the complement: CDK4 is on the minus strand). VCF-style: chr12-57751672-C-T. GRCh37 (hg19) VCF-style: chr12-58145455-C-T.
Other names: short protein forms A16T.
Identifiers: ClinVar variation 4224570 (VCV004224570.1).